The following is an entry in ClinVar:

ClinVar aggregate classification (germline): Uncertain significance (1 of 4 stars; one submission).

gnomAD v4.1: 2 of 1,612,866 alleles (0.00012%); highest among the groups gnomAD compares: Non-Finnish European, 0.00017%; no homozygotes.

Submission:

GeneDx
Classification: Uncertain significance. Last evaluated: 2024-09-17. Review status: criteria provided, single submitter. Criteria: GeneDx Variant Classification Process June 2021. Collection method: clinical testing. Allele origin: germline. Affected: yes.
Comment: Not observed at significant frequency in large population cohorts (gnomAD); In silico analysis indicates that this missense variant does not alter protein structure/function; Has not been previously published as pathogenic or benign to our knowledge

NM_001386298.1(CIC):c.4664G>C (p.Arg1555Thr)

Gene: CIC (capicua transcriptional repressor; plus strand). Cytogenetic location: 19q13.2.
Variant type: single nucleotide variant.
Coding change: c.4664G>C on transcript NM_001386298.1 (MANE Select); coding-DNA position 4664, G replaced by C.
Protein change: p.Arg1555Thr; replaces arginine 1555 with threonine.
Molecular consequence: missense variant.
Genome position (GRCh38, 1-based): chr19:42,290,705, G>C. VCF-style: chr19-42290705-G-C. GRCh37 (hg19) VCF-style: chr19-42794857-G-C.
Other names: c.4664G>C, p.Arg1555Thr (NM_001304815.2, NM_001379480.1, NM_001379482.1); c.1937G>C, p.Arg646Thr (NM_001379484.1, NM_001379485.1, NM_015125.5); short protein forms R1555T, R646T.
Identifiers: ClinVar variation 3769780 (VCV003769780.1).